The following is an entry in ClinVar:

ClinVar aggregate classification (germline): Benign (1 of 4 stars; one submission).

Conditions:
Multiple endocrine neoplasia type 2A. Also called: Multiple Endocrine Neoplasia Type 2A (MEN2A); MULTIPLE ENDOCRINE NEOPLASIA, TYPE IIA; PTC SYNDROME; SIPPLE SYNDROME; MEN 2A; MEN-2A syndrome. Identifiers: Orphanet 247698, Orphanet 653, MedGen C0025268, MeSH D018813, MONDO:0008234, OMIM 171400.

Submission:

Myriad Genetics, Inc.
Classification: Benign for Multiple endocrine neoplasia type 2A. Last evaluated: 2025-02-26. Review status: criteria provided, single submitter. Criteria: Myriad Autosomal Dominant, Autosomal Recessive and X-Linked Classification Criteria (2023). Collection method: clinical testing. Allele origin: unknown.
Comment: This variant is considered benign. This variant is a silent/synonymous amino acid change and it is not expected to impact splicing.

NM_020975.6(RET):c.2298G>C (p.Pro766=)

Gene: RET (ret proto-oncogene; plus strand). Cytogenetic location: 10q11.21.
Variant type: single nucleotide variant.
Coding change: c.2298G>C on transcript NM_020975.6 (MANE Select); coding-DNA position 2298, G replaced by C.
Protein change: p.Pro766=; no amino-acid change (proline 766 retained).
Molecular consequence: synonymous variant.
Genome position (GRCh38, 1-based): chr10:43,118,386, G>C. VCF-style: chr10-43118386-G-C. GRCh37 (hg19) VCF-style: chr10-43613834-G-C.
Other names: c.849G>C, p.Pro283= (NM_001406792.1, NM_001406793.1, NM_001406794.1); c.2298G>C, p.Pro766= (NM_020630.7, NM_001406743.1, NM_001406744.1 and 2 more transcripts); c.1536G>C, p.Pro512= (NM_001355216.2); c.2169G>C, p.Pro723= (NM_001406761.1, NM_001406762.1, NM_001406764.1); c.2163G>C, p.Pro721= (NM_001406763.1, NM_001406765.1); c.2010G>C, p.Pro670= (NM_001406766.1, NM_001406767.1, NM_001406770.1); c.2034G>C, p.Pro678= (NM_001406768.1); c.1902G>C, p.Pro634= (NM_001406769.1, NM_001406772.1); and 10 more.
Identifiers: ClinVar variation 3904592 (VCV003904592.1).